The following is an entry in ClinVar:

ClinVar aggregate classification (germline): Uncertain significance. Review status: criteria provided, multiple submitters, no conflicts (2 of 4 stars). 2 submissions from 2 submitters: Uncertain significance (2). Last evaluated 2025-10-13.

Allele frequency attached by ClinVar (database versions not stated): gnomAD 0.00002; TOPMed 0.00003.
gnomAD v4.1: 44 of 1,613,942 alleles (0.0027%); highest among the groups gnomAD compares: Non-Finnish European, 0.0036%; no homozygotes.

Submissions (2):

Labcorp Genetics (formerly Invitae), Labcorp
Classification: Uncertain significance. Last evaluated: 2025-10-13. Review status: criteria provided, single submitter. Criteria: Invitae Variant Classification Sherloc (09022015). Collection method: clinical testing. Allele origin: germline.
Comment: This sequence change replaces aspartic acid, which is acidic and polar, with asparagine, which is neutral and polar, at codon 201 of the NDUFAF1 protein (p.Asp201Asn). This variant is present in population databases (no rsID available, gnomAD 0.004%). This variant has not been reported in the literature in individuals affected with NDUFAF1-related conditions. ClinVar contains an entry for this variant (Variation ID: 2900934). Invitae Evidence Modeling of protein sequence and biophysical properties (such as structural, functional, and spatial information, amino acid conservation, physicochemical variation, residue mobility, and thermodynamic stability) indicates that this missense variant is not expected to disrupt NDUFAF1 protein function with a negative predictive value of 80%. In summary, the available evidence is currently insufficient to determine the role of this variant in disease. Therefore, it has been classified as a Variant of Uncertain Significance.

Ambry Genetics
Classification: Uncertain significance. Last evaluated: 2024-08-05. Review status: criteria provided, single submitter. Criteria: Ambry Variant Classification Scheme 2023. Collection method: clinical testing. Allele origin: germline.

NM_016013.4(NDUFAF1):c.601G>A (p.Asp201Asn)

Gene: NDUFAF1 (NADH:ubiquinone oxidoreductase complex assembly factor 1; minus strand). Cytogenetic location: 15q15.1.
Variant type: single nucleotide variant.
Coding change: c.601G>A on transcript NM_016013.4 (MANE Select); coding-DNA position 601, G replaced by A.
Protein change: p.Asp201Asn; replaces aspartic acid 201 with asparagine.
Molecular consequence: missense variant. On other transcripts: non-coding transcript variant (1).
Genome position (GRCh38, 1-based): chr15:41,395,017, C>T on the plus strand (G>A on the coding strand, the complement: NDUFAF1 is on the minus strand). VCF-style: chr15-41395017-C-T. GRCh37 (hg19) VCF-style: chr15-41687215-C-T.
Other names: c.601G>A (NM_016013.2); short protein forms D201N.
Identifiers: ClinVar variation 2900934 (VCV002900934.4), dbSNP rs1378297347, ClinGen allele CA391809691.